The following is an entry in ClinVar:

NM_005529.7(HSPG2):c.4972G>A (p.Val1658Met)

Gene: HSPG2 (heparan sulfate proteoglycan 2; minus strand). Cytogenetic location: 1p36.12.
Variant type: single nucleotide variant.
Coding change: c.4972G>A on transcript NM_005529.7 (MANE Select); coding-DNA position 4972, G replaced by A.
Protein change: p.Val1658Met; replaces valine 1658 with methionine.
Molecular consequence: missense variant.
Genome position (GRCh38, 1-based): chr1:21,860,219, C>T on the plus strand (G>A on the coding strand, the complement: HSPG2 is on the minus strand). VCF-style: chr1-21860219-C-T. GRCh37 (hg19) VCF-style: chr1-22186712-C-T.
Other names: c.4975G>A, p.Val1659Met (NM_001291860.2); c.4972G>A (NM_005529.5, NM_005529.6); short protein forms V1658M, V1659M.
Identifiers: ClinVar variation 1041950 (VCV001041950.19), dbSNP rs143523507, ClinGen allele CA672091.

ClinVar aggregate classification (germline): Conflicting classifications of pathogenicity. Review status: criteria provided, conflicting classifications (1 of 4 stars). 7 submissions from 7 submitters: Uncertain significance (6); Likely benign (1). Last evaluated 2026-08-13.

Conditions:
HSPG2-related disorder. Also called: HSPG2-related disorders; HSPG2-related condition.
Lethal Kniest-like syndrome (DDSH). Also called: Dyssegmental Dysplasia. Identifiers: Orphanet 1865, MedGen C1857100, MONDO:0009140, OMIM 224410.
Schwartz-Jampel syndrome type 1 (SJS1). Also called: MYOTONIC MYOPATHY, DWARFISM, CHONDRODYSTROPHY, AND OCULAR AND FACIAL ABNORMALITIES; CHONDRODYSTROPHIC MYOTONIA. Identifiers: MedGen C4551479, MONDO:0100435, OMIM 255800.
Inborn genetic diseases. Identifiers: MedGen C0950123, MeSH D030342.

Allele frequency attached by ClinVar (database versions not stated): gnomAD exomes 0.00008 and 0.00013; 1000 Genomes Project 30x 0.00016; ExAC 0.00018; 1000 Genomes Project 0.00020; gnomAD 0.00047 and 0.00050; TOPMed 0.00057; ESP Exome Variant Server 0.00062.
gnomAD v4.1: 199 of 1,613,630 alleles (0.012%); highest among the groups gnomAD compares: African/African-American, 0.17%; 3 homozygotes.

Submissions (7):

PreventionGenetics, part of Exact Sciences
Classification: Likely benign for HSPG2-related condition. Last evaluated: 2026-08-13. Review status: criteria provided, single submitter. Criteria: ACMG Guidelines, 2015. Collection method: clinical testing. Allele origin: germline.
Comment: This variant is classified as likely benign based on ACMG/AMP sequence variant interpretation guidelines (Richards et al. 2015 PMID: 25741868, with internal and published modifications).

Labcorp Genetics (formerly Invitae), Labcorp
Classification: Uncertain significance. Last evaluated: 2026-01-17. Review status: criteria provided, single submitter. Criteria: Invitae Variant Classification Sherloc (09022015). Collection method: clinical testing. Allele origin: germline.
Comment: This sequence change replaces valine, which is neutral and non-polar, with methionine, which is neutral and non-polar, at codon 1658 of the HSPG2 protein (p.Val1658Met). This variant is present in population databases (rs143523507, gnomAD 0.1%). This variant has not been reported in the literature in individuals affected with HSPG2-related conditions. ClinVar contains an entry for this variant (Variation ID: 1041950). An algorithm developed to predict the effect of missense changes on protein structure and function (PolyPhen-2) suggests that this variant is likely to be tolerated. In summary, the available evidence is currently insufficient to determine the role of this variant in disease. Therefore, it has been classified as a Variant of Uncertain Significance.

GeneDx
Classification: Uncertain significance. Last evaluated: 2025-08-14. Review status: criteria provided, single submitter. Criteria: GeneDx Variant Classification Process June 2021. Collection method: clinical testing. Allele origin: germline. Affected: yes.
Comment: In silico analysis suggests that this missense variant does not alter protein structure/function; Has not been previously published as pathogenic or benign to our knowledge

CeGaT Center for Human Genetics Tuebingen
Classification: Uncertain significance. Last evaluated: 2025-07-01. Review status: criteria provided, single submitter. Criteria: CeGaT Center For Human Genetics Tuebingen Variant Classification Criteria Version 2. Collection method: clinical testing. Allele origin: germline. Affected: yes. Observed: 1 variant allele.

Fulgent Genetics
Classification: Uncertain significance for Lethal Kniest-like syndrome; Schwartz-Jampel syndrome type 1. Last evaluated: 2021-11-17. Review status: criteria provided, single submitter. Criteria: ACMG Guidelines, 2015. Collection method: clinical testing. Allele origin: unknown.

Ambry Genetics
Classification: Uncertain significance for Inborn genetic diseases. Last evaluated: 2021-06-30. Review status: criteria provided, single submitter. Criteria: Ambry Variant Classification Scheme 2023. Collection method: clinical testing. Allele origin: germline.

Revvity Omics, Revvity
Classification: Uncertain significance. Last evaluated: 2019-05-02. Review status: criteria provided, single submitter. Criteria: ACMG Guidelines, 2015. Collection method: clinical testing. Allele origin: germline.